The following is an entry in ClinVar:

ClinVar aggregate classification (germline): Uncertain significance (1 of 4 stars; one submission).

Submission:

Labcorp Genetics (formerly Invitae), Labcorp
Classification: Uncertain significance. Last evaluated: 2025-08-18. Review status: criteria provided, single submitter. Criteria: Invitae Variant Classification Sherloc (09022015). Collection method: clinical testing. Allele origin: germline.
Comment: This variant, c.163_171dup, results in the insertion of 3 amino acid(s) of the C1QTNF5 protein (p.Arg55_Gly57dup), but otherwise preserves the integrity of the reading frame. This variant is present in population databases (no rsID available, gnomAD 0.008%). This variant has not been reported in the literature in individuals affected with C1QTNF5-related conditions. ClinVar contains an entry for this variant (Variation ID: 953700). Experimental studies and prediction algorithms are not available or were not evaluated, and the functional significance of this variant is currently unknown. In summary, the available evidence is currently insufficient to determine the role of this variant in disease. Therefore, it has been classified as a Variant of Uncertain Significance.

NM_001278431.2(C1QTNF5):c.154CGCGACGGC[3] (p.Gly57_Ala58insArgAspGly)

Genes: C1QTNF5 (C1q and TNF related 5; minus strand), MFRP (membrane frizzled-related protein; minus strand). Cytogenetic location: 11q23.3.
Variant type: Microsatellite.
Coding change: c.154CGCGACGGC[3] on transcript NM_001278431.2 (MANE Select); three copies in a row of the 9-base unit CGCGACGGC starting at c.154; the reference has two copies in a row; one copy, 9 bases duplicated.
Protein change: p.Gly57_Ala58insArgAspGly.
Molecular consequence: inframe insertion. On other transcripts: 3 prime UTR variant (1).
Genome position (GRCh38, 1-based): chr11:119,340,227-119,340,235, GCCGTCGCG duplicated on the plus strand (CGCGACGGC on the coding strand, the reverse complement: C1QTNF5 is on the minus strand); duplicating any 9 consecutive bases within chr11:119,340,227-119,340,247 gives the same sequence; the position shown is the placement nearest the transcript's 3' end. VCF-style (leftmost placement, unchanged base first): chr11-119340226-C-CGCCGTCGCG. GRCh37 (hg19) VCF-style: chr11-119210936-C-CGCCGTCGCG.
Other names: c.154CGCGACGGC[3], p.Gly57_Ala58insArgAspGly (NM_015645.5); c.*1050CGCGACGGC[3] (NM_031433.4).
Identifiers: ClinVar variation 953700 (VCV000953700.9), dbSNP rs940468185, ClinGen allele CA229674861.